The following is an entry in ClinVar:

ClinVar aggregate classification (germline): Uncertain significance. Review status: criteria provided, multiple submitters, no conflicts (2 of 4 stars). 2 submissions from 2 submitters: Uncertain significance (2). Last evaluated 2025-09-17.

Conditions:
Arrhythmogenic right ventricular dysplasia 13. Also called: ARRHYTHMOGENIC RIGHT VENTRICULAR CARDIOMYOPATHY 13; Arrhythmogenic right ventricular dysplasia, familial, 13. Identifiers: MedGen C3810138, MONDO:0000908, OMIM 615616.

Submissions (2):

Ambry Genetics
Classification: Uncertain significance. Last evaluated: 2025-09-17. Review status: criteria provided, single submitter. Criteria: Ambry Variant Classification Scheme 2023. Collection method: clinical testing. Allele origin: germline.
Comment: The p.Q784R variant (also known as c.2351A>G), located in coding exon 16 of the CTNNA3 gene, results from an A to G substitution at nucleotide position 2351. The glutamine at codon 784 is replaced by arginine, an amino acid with highly similar properties. This amino acid position is conserved. In addition, this alteration is predicted to be tolerated by in silico analysis. Based on the available evidence, the clinical significance of this variant remains unclear.

Labcorp Genetics (formerly Invitae), Labcorp
Classification: Uncertain significance for Arrhythmogenic right ventricular dysplasia 13. Last evaluated: 2021-06-13. Review status: criteria provided, single submitter. Criteria: Invitae Variant Classification Sherloc (09022015). Collection method: clinical testing. Allele origin: germline.
Comment: This variant has not been reported in the literature in individuals with CTNNA3-related conditions. In summary, the available evidence is currently insufficient to determine the role of this variant in disease. Therefore, it has been classified as a Variant of Uncertain Significance. Algorithms developed to predict the effect of missense changes on protein structure and function are either unavailable or do not agree on the potential impact of this missense change (SIFT: "Tolerated"; PolyPhen-2: "Not Available"; Align-GVGD: "Class C0"). This variant is not present in population databases (ExAC no frequency). This sequence change replaces glutamine with arginine at codon 784 of the CTNNA3 protein (p.Gln784Arg). The glutamine residue is moderately conserved and there is a small physicochemical difference between glutamine and arginine.

NM_013266.4(CTNNA3):c.2351A>G (p.Gln784Arg)

Gene: CTNNA3 (catenin alpha 3; minus strand). Cytogenetic location: 10q21.3.
Variant type: single nucleotide variant.
Coding change: c.2351A>G on transcript NM_013266.4 (MANE Select); coding-DNA position 2351, A replaced by G.
Protein change: p.Gln784Arg; replaces glutamine 784 with arginine.
Molecular consequence: missense variant.
Genome position (GRCh38, 1-based): chr10:65,966,661, T>C on the plus strand (A>G on the coding strand, the complement: CTNNA3 is on the minus strand). VCF-style: chr10-65966661-T-C. GRCh37 (hg19) VCF-style: chr10-67726419-T-C.
Other names: c.2351A>G (NM_013266.2); c.2351A>G, p.Gln784Arg (NM_001127384.3); short protein forms Q784R.
Identifiers: ClinVar variation 1404605 (VCV001404605.9), dbSNP rs2133257128, ClinGen allele CA377089980.
Genomic context (GRCh38, chr10:65,966,661, plus strand): 5'-GCAGTACTCACAGCTGACATGATGAGCTCTCCTCCCAGGTTCTGGATCTCAGCTTTAACT[T>C]GACTGCAGATTTTCAGTTGGTGGGAGTAGAACTTAATCTGTTCCAGGTAGGCCAACAAGT-3'
Protein context (NP_037398.2, residues 774-794): FYSHQLKICS[Gln784Arg]VKAEIQNLGG